The following is an entry in ClinVar:

NM_000179.3(MSH6):c.2617G>T (p.Gly873Trp)

Gene: MSH6 (mutS homolog 6; plus strand). Cytogenetic location: 2p16.3.
Variant type: single nucleotide variant.
Coding change: c.2617G>T on transcript NM_000179.3 (MANE Select); coding-DNA position 2617, G replaced by T.
Protein change: p.Gly873Trp; replaces glycine 873 with tryptophan.
Molecular consequence: missense variant.
Genome position (GRCh38, 1-based): chr2:47,800,600, G>T. VCF-style: chr2-47800600-G-T. GRCh37 (hg19) VCF-style: chr2-48027739-G-T.
Other names: c.2227G>T, p.Gly743Trp (NM_001281492.2); c.1711G>T, p.Gly571Trp (NM_001281493.2, NM_001281494.2, NM_001406811.1 and 6 more transcripts); c.2713G>T, p.Gly905Trp (NM_001406795.1, NM_001406802.1); c.2617G>T, p.Gly873Trp (NM_001406796.1, NM_001406798.1, NM_001406800.1 and 2 more transcripts); c.2320G>T, p.Gly774Trp (NM_001406797.1, NM_001406801.1, NM_001406805.1 and 10 more transcripts); c.2092G>T, p.Gly698Trp (NM_001406799.1, NM_001406806.1, NM_001406807.1); c.2539G>T, p.Gly847Trp (NM_001406804.1); c.2623G>T, p.Gly875Trp (NM_001406813.1); and 1 more; short protein forms G875W, G698W, G774W, G847W, G571W, G817W, G873W, G905W.
Identifiers: ClinVar variation 1793879 (VCV001793879.2), dbSNP rs1669488739, ClinGen allele CA346755014.

ClinVar aggregate classification (germline): Uncertain significance (1 of 4 stars; one submission).

Conditions:
Hereditary cancer-predisposing syndrome. Also called: Tumor predisposition; Hereditary Cancer Syndrome; Neoplastic Syndromes, Hereditary; Hereditary neoplastic syndrome. Identifiers: Orphanet 140162, MedGen C0027672, MeSH D009386, MONDO:0015356.

Submission:

Ambry Genetics
Classification: Uncertain significance for Hereditary cancer-predisposing syndrome. Last evaluated: 2020-06-30. Review status: criteria provided, single submitter. Criteria: Ambry Variant Classification Scheme 2023. Collection method: clinical testing. Allele origin: germline.
Comment: The p.G873W variant (also known as c.2617G>T), located in coding exon 4 of the MSH6 gene, results from a G to T substitution at nucleotide position 2617. The glycine at codon 873 is replaced by tryptophan, an amino acid with highly dissimilar properties. This amino acid position is poorly conserved in available vertebrate species. In addition, the in silico prediction for this alteration is inconclusive. Since supporting evidence is limited at this time, the clinical significance of this alteration remains unclear.